The following is an entry in ClinVar:

NM_058216.3(RAD51C):c.531T>G (p.Ile177Met)

Gene: RAD51C (RAD51 paralog C; plus strand). Cytogenetic location: 17q22.
Variant type: single nucleotide variant.
Coding change: c.531T>G on transcript NM_058216.3 (MANE Select); coding-DNA position 531, T replaced by G.
Protein change: p.Ile177Met; replaces isoleucine 177 with methionine.
Molecular consequence: missense variant.
Genome position (GRCh38, 1-based): chr17:58,696,819, T>G. VCF-style: chr17-58696819-T-G. GRCh37 (hg19) VCF-style: chr17-56774180-T-G.
Other names: short protein forms I177M.
Identifiers: ClinVar variation 4727558 (VCV004727558.1).

ClinVar aggregate classification (germline): Uncertain significance (1 of 4 stars; one submission).

Conditions:
Fanconi anemia complementation group O. Also called: RAD51C-Related Fanconi Anemia. Identifiers: Orphanet 84, MedGen C3150653, MONDO:0013248, OMIM 613390.

Submission:

Labcorp Genetics (formerly Invitae), Labcorp
Classification: Uncertain significance for Fanconi anemia complementation group O. Last evaluated: 2025-09-21. Review status: criteria provided, single submitter. Criteria: Invitae Variant Classification Sherloc (09022015). Collection method: clinical testing. Allele origin: germline.
Comment: This sequence change replaces isoleucine, which is neutral and non-polar, with methionine, which is neutral and non-polar, at codon 177 of the RAD51C protein (p.Ile177Met). This variant is not present in population databases (gnomAD no frequency). This variant has not been reported in the literature in individuals affected with RAD51C-related conditions. An algorithm developed to predict the effect of missense changes on protein structure and function (PolyPhen-2) suggests that this variant is likely to be disruptive. In summary, the available evidence is currently insufficient to determine the role of this variant in disease. Therefore, it has been classified as a Variant of Uncertain Significance.